The following is an entry in ClinVar:

ClinVar aggregate classification (germline): Uncertain significance (1 of 4 stars; one submission).

Allele frequency attached by ClinVar (database versions not stated): gnomAD exomes below 0.00001; TOPMed below 0.00001; ExAC 0.00001; gnomAD 0.00002.
gnomAD v4.1: 6 of 1,604,200 alleles (0.00037%); highest among the groups gnomAD compares: Admixed American, 0.005%; no homozygotes.

Submission:

Labcorp Genetics (formerly Invitae), Labcorp
Classification: Uncertain significance. Last evaluated: 2024-02-26. Review status: criteria provided, single submitter. Criteria: Invitae Variant Classification Sherloc (09022015). Collection method: clinical testing. Allele origin: germline.
Comment: This sequence change replaces isoleucine, which is neutral and non-polar, with valine, which is neutral and non-polar, at codon 823 of the HACE1 protein (p.Ile823Val). This variant is present in population databases (rs745787717, gnomAD 0.009%). This variant has not been reported in the literature in individuals affected with HACE1-related conditions. ClinVar contains an entry for this variant (Variation ID: 1965324). Advanced modeling of protein sequence and biophysical properties (such as structural, functional, and spatial information, amino acid conservation, physicochemical variation, residue mobility, and thermodynamic stability) performed at Invitae indicates that this missense variant is not expected to disrupt HACE1 protein function with a negative predictive value of 80%. In summary, the available evidence is currently insufficient to determine the role of this variant in disease. Therefore, it has been classified as a Variant of Uncertain Significance.

NM_020771.4(HACE1):c.2467A>G (p.Ile823Val)

Gene: HACE1 (HECT domain and ankyrin repeat containing E3 ubiquitin protein ligase 1; minus strand). Cytogenetic location: 6q16.3.
Variant type: single nucleotide variant.
Coding change: c.2467A>G on transcript NM_020771.4 (MANE Select); coding-DNA position 2467, A replaced by G.
Protein change: p.Ile823Val; replaces isoleucine 823 with valine.
Molecular consequence: missense variant. On other transcripts: non-coding transcript variant (7).
Genome position (GRCh38, 1-based): chr6:104,744,206, T>C on the plus strand (A>G on the coding strand, the complement: HACE1 is on the minus strand). VCF-style: chr6-104744206-T-C. GRCh37 (hg19) VCF-style: chr6-105192081-T-C.
Other names: c.2335A>G, p.Ile779Val (NM_001321080.2); c.2365A>G, p.Ile789Val (NM_001321083.2); c.1963A>G, p.Ile655Val (NM_001321084.2, NM_001350557.2, NM_001350558.2); c.2233A>G, p.Ile745Val (NM_001350554.2); c.2176A>G, p.Ile726Val (NM_001350555.2); c.1981A>G, p.Ile661Val (NM_001350556.2); c.1885A>G, p.Ile629Val (NM_001350559.2); c.1684A>G, p.Ile562Val (NM_001350560.2); short protein forms I779V, I661V, I726V, I562V, I745V, I629V, I655V, I789V.
Identifiers: ClinVar variation 1965324 (VCV001965324.5), dbSNP rs745787717, ClinGen allele CA3939984.
Genomic context (GRCh38, chr6:104,744,206, plus strand): 5'-AAAATACTGCTTACCTGCCCGTAACAAACTGTAAGAGAAGAACTCTCTCCTCTTGAGTAA[T>C]GTCTTCTACAACTTCCCAGAACCACTAACAACAAGAACAAAAAACTTAGCTCATATTTCA-3'
Protein context (NP_065822.2, residues 813-833): IQWFWEVVED[Ile823Val]TQEERVLLLQ